The following is an entry in ClinVar:

ClinVar aggregate classification (germline): Uncertain significance (1 of 4 stars; one submission).

Submission:

Labcorp Genetics (formerly Invitae), Labcorp
Classification: Uncertain significance. Last evaluated: 2025-04-10. Review status: criteria provided, single submitter. Criteria: Invitae Variant Classification Sherloc (09022015). Collection method: clinical testing. Allele origin: germline.
Comment: This variant, c.5253_5270del, results in the deletion of 6 amino acid(s) of the SRCAP protein (p.Pro1752_Ala1757del), but otherwise preserves the integrity of the reading frame. This variant is present in population databases (no rsID available, gnomAD 0.003%). This variant has not been reported in the literature in individuals affected with SRCAP-related conditions. Experimental studies and prediction algorithms are not available or were not evaluated, and the functional significance of this variant is currently unknown. In summary, the available evidence is currently insufficient to determine the role of this variant in disease. Therefore, it has been classified as a Variant of Uncertain Significance.

NM_006662.3(SRCAP):c.5253_5270del (p.Pro1752_Ala1757del)

Gene: SRCAP (Snf2 related CREBBP activator protein; plus strand). Cytogenetic location: 16p11.2.
Variant type: Deletion.
Coding change: c.5253_5270del on transcript NM_006662.3 (MANE Select); coding-DNA positions 5253 to 5270, 18 bases deleted (ACCCCCTCTGGCTCCAGC).
Protein change: p.Pro1752_Ala1757del.
Molecular consequence: inframe deletion.
Genome position (GRCh38, 1-based): chr16:30,724,677-30,724,694, ACCCCCTCTGGCTCCAGC deleted; deleting any 18 consecutive bases within chr16:30,724,664-30,724,694 gives the same sequence; the c. name uses the placement nearest the transcript's 3' end. VCF-style (leftmost placement, unchanged base first): chr16-30724663-TCTCTGGCTCCAGCACCCC-T. GRCh37 (hg19) VCF-style: chr16-30735984-TCTCTGGCTCCAGCACCCC-T.
Identifiers: ClinVar variation 4754278 (VCV004754278.1).